The following is an entry in ClinVar:

NM_001042492.3(NF1):c.6189A>C (p.Leu2063Phe)

Gene: NF1 (neurofibromin 1; plus strand). Cytogenetic location: 17q11.2.
Variant type: single nucleotide variant.
Coding change: c.6189A>C on transcript NM_001042492.3 (MANE Select); coding-DNA position 6189, A replaced by C.
Protein change: p.Leu2063Phe; replaces leucine 2063 with phenylalanine.
Molecular consequence: missense variant.
Genome position (GRCh38, 1-based): chr17:31,336,676, A>C. VCF-style: chr17-31336676-A-C. GRCh37 (hg19) VCF-style: chr17-29663694-A-C.
Other names: c.6126A>C, p.Leu2042Phe (NM_000267.4); short protein forms L2042F, L2063F.
Identifiers: ClinVar variation 3237861 (VCV003237861.2), dbSNP rs1060503911.
Genomic context (GRCh38, chr17:31,336,676, plus strand): 5'-AAATCCTGCTTCTTTACAGGTTATTGGAAGGATGTGCAAAATAATTGACAAGACATGCTT[A>C]TCTCCAACTCCTACTTTAGAACAACATCTTATGTGGGATGATATTGCTATTTTAGCACGC-3'
Protein context (NP_001035957.1, residues 2053-2073): RMCKIIDKTC[Leu2063Phe]SPTPTLEQHL

ClinVar aggregate classification (germline): Uncertain significance (1 of 4 stars; one submission).

Conditions:
Cardiovascular phenotype. Identifiers: MedGen CN230736.
Hereditary cancer-predisposing syndrome. Also called: Neoplastic Syndromes, Hereditary; Tumor predisposition; Hereditary Cancer Syndrome; Hereditary neoplastic syndrome. Identifiers: Orphanet 140162, MedGen C0027672, MeSH D009386, MONDO:0015356.

Submission:

Ambry Genetics
Classification: Uncertain significance for Cardiovascular phenotype; Hereditary cancer-predisposing syndrome. Last evaluated: 2026-07-10. Review status: criteria provided, single submitter. Criteria: Ambry Variant Classification Scheme 2023. Collection method: clinical testing. Allele origin: germline.
Comment: The p.L2042F variant (also known as c.6126A>C), located in coding exon 41 of the NF1 gene, results from an A to C substitution at nucleotide position 6126. The leucine at codon 2042 is replaced by phenylalanine, an amino acid with highly similar properties. This amino acid position is highly conserved in available vertebrate species. In addition, this alteration is predicted to be tolerated by in silico analysis. Based on the available evidence, the clinical significance of this variant remains unclear.